The following is an entry in ClinVar:

ClinVar aggregate classification (germline): Benign (1 of 4 stars; one submission).

Submission:

Mayo Clinic Laboratories, Mayo Clinic
Classification: Benign. Last evaluated: 2023-01-24. Review status: criteria provided, single submitter. Criteria: ACMG Guidelines, 2015. Collection method: clinical testing. Allele origin: germline. Observed: 136 variant alleles.
Comment: BS1, BS2

NM_003194.5(TBP):c.231G>A (p.Gln77=)

Genes: TBP (TATA-box binding protein; plus strand), LOC108663996 (TATA-box binding protein repeat instability region; plus strand). Cytogenetic location: 6q27.
Variant type: single nucleotide variant.
Coding change: c.231G>A on transcript NM_003194.5 (MANE Select); coding-DNA position 231, G replaced by A.
Protein change: p.Gln77=; no amino-acid change (glutamine 77 retained).
Molecular consequence: synonymous variant.
Genome position (GRCh38, 1-based): chr6:170,561,967, G>A. VCF-style: chr6-170561967-G-A. GRCh37 (hg19) VCF-style: chr6-170871055-G-A.
Other names: p.Gln77=; c.171G>A, p.Gln57= (NM_001172085.2).
Identifiers: ClinVar variation 4683245 (VCV004683245.1).
Genomic context (GRCh38, chr6:170,561,967, plus strand): 5'-GCAGCAGCAGCAACAACAACAGCAGCAGCAGCAGCAGCAGCAGCAACAGCAACAGCAGCA[G>A]CAGCAGCAGCAGCAGCAGCAGCAGCAGCAGCAGCAGCAGCAGCAGCAGCAACAGGCAGTG-3'
Protein context (NP_003185.1, residues 67-87): QQQQQQQQQQ[Gln77=]QQQQQQQQQQ